The following is an entry in ClinVar:

ClinVar aggregate classification (germline): Uncertain significance (1 of 4 stars; one submission).

gnomAD v4.1: 11 of 1,614,076 alleles (0.00068%); highest among the groups gnomAD compares: Admixed American, 0.018%; no homozygotes.

Submission:

Labcorp Genetics (formerly Invitae), Labcorp
Classification: Uncertain significance. Last evaluated: 2022-10-17. Review status: criteria provided, single submitter. Criteria: Invitae Variant Classification Sherloc (09022015). Collection method: clinical testing. Allele origin: germline.
Comment: In summary, the available evidence is currently insufficient to determine the role of this variant in disease. Therefore, it has been classified as a Variant of Uncertain Significance. Algorithms developed to predict the effect of sequence changes on RNA splicing suggest that this variant may create or strengthen a splice site. Algorithms developed to predict the effect of missense changes on protein structure and function are either unavailable or do not agree on the potential impact of this missense change (SIFT: "Not Available"; PolyPhen-2: "Probably Damaging"; Align-GVGD: "Not Available"). This variant has not been reported in the literature in individuals affected with PIKFYVE-related conditions. This variant is present in population databases (rs149384342, gnomAD 0.03%). This sequence change replaces arginine, which is basic and polar, with glycine, which is neutral and non-polar, at codon 662 of the PIKFYVE protein (p.Arg662Gly).

NM_015040.4(PIKFYVE):c.1984C>G (p.Arg662Gly)

Gene: PIKFYVE (phosphoinositide kinase, FYVE-type zinc finger containing; plus strand). Cytogenetic location: 2q34.
Variant type: single nucleotide variant.
Coding change: c.1984C>G on transcript NM_015040.4 (MANE Select); coding-DNA position 1984, C replaced by G.
Protein change: p.Arg662Gly; replaces arginine 662 with glycine.
Molecular consequence: missense variant.
Genome position (GRCh38, 1-based): chr2:208,315,350, C>G. VCF-style: chr2-208315350-C-G. GRCh37 (hg19) VCF-style: chr2-209180074-C-G.
Other names: short protein forms R662G.
Identifiers: ClinVar variation 2182847 (VCV002182847.4), dbSNP rs149384342, ClinGen allele CA2079691.
Genomic context (GRCh38, chr2:208,315,350, plus strand): 5'-TGCCAGGTTGTTCAGACAGTCCGACCTGATGTCAAGAACCAGGATGATGACATGGATATC[C>G]GTCAGTTTGTCCACATCAAAAAAGTGAGCTCTGCTAATGTTTTACTAATGCTAGGAACTG-3'
Protein context (NP_055855.2, residues 652-672): VKNQDDDMDI[Arg662Gly]QFVHIKKIPG